The following is an entry in ClinVar:

ClinVar aggregate classification (germline): Uncertain significance (1 of 4 stars; one submission).

gnomAD v4.1: 3 of 1,612,586 alleles (0.00019%); highest among the groups gnomAD compares: South Asian, 0.0022%; no homozygotes.

Submission:

Labcorp Genetics (formerly Invitae), Labcorp
Classification: Uncertain significance. Last evaluated: 2024-04-03. Review status: criteria provided, single submitter. Criteria: Invitae Variant Classification Sherloc (09022015). Collection method: clinical testing. Allele origin: germline.
Comment: This sequence change replaces tyrosine, which is neutral and polar, with histidine, which is basic and polar, at codon 393 of the TMPRSS15 protein (p.Tyr393His). This variant is not present in population databases (gnomAD no frequency). This variant has not been reported in the literature in individuals affected with TMPRSS15-related conditions. An algorithm developed to predict the effect of missense changes on protein structure and function (PolyPhen-2) suggests that this variant is likely to be disruptive. In summary, the available evidence is currently insufficient to determine the role of this variant in disease. Therefore, it has been classified as a Variant of Uncertain Significance.

NM_002772.3(TMPRSS15):c.1177T>C (p.Tyr393His)

Gene: TMPRSS15 (transmembrane serine protease 15; minus strand). Cytogenetic location: 21q21.1.
Variant type: single nucleotide variant.
Coding change: c.1177T>C on transcript NM_002772.3 (MANE Select); coding-DNA position 1177, T replaced by C.
Protein change: p.Tyr393His; replaces tyrosine 393 with histidine.
Molecular consequence: missense variant.
Genome position (GRCh38, 1-based): chr21:18,344,055, A>G on the plus strand (T>C on the coding strand, the complement: TMPRSS15 is on the minus strand). VCF-style: chr21-18344055-A-G. GRCh37 (hg19) VCF-style: chr21-19716372-A-G.
Other names: c.1312T>C, p.Tyr438His (NM_001428056.1); c.1177T>C, p.Tyr393His (NM_001428057.1); short protein forms Y393H, Y438H.
Identifiers: ClinVar variation 3682468 (VCV003682468.2).